The following is an entry in ClinVar:

ClinVar aggregate classification (germline): Uncertain significance (1 of 4 stars; one submission).

Conditions:
Cardiovascular phenotype. Identifiers: MedGen CN230736.

gnomAD v4.1: 3 of 1,600,324 alleles (0.00019%); highest among the groups gnomAD compares: African/African-American, 0.0027%; no homozygotes.

Submission:

Ambry Genetics
Classification: Uncertain significance for Cardiovascular phenotype. Last evaluated: 2024-11-02. Review status: criteria provided, single submitter. Criteria: Ambry Variant Classification Scheme 2023. Collection method: clinical testing. Allele origin: germline.
Comment: The p.R3295G variant (also known as c.9883A>G), located in coding exon 28 of the TNXB gene, results from an A to G substitution at nucleotide position 9883. The arginine at codon 3295 is replaced by glycine, an amino acid with dissimilar properties. This amino acid position is conserved. In addition, this alteration is predicted to be tolerated by in silico analysis. Based on the available evidence, the clinical significance of this variant remains unclear.

NM_001365276.2(TNXB):c.9889A>G (p.Arg3297Gly)

Gene: TNXB (tenascin XB; minus strand). Cytogenetic location: 6p21.33.
Variant type: single nucleotide variant.
Coding change: c.9889A>G on transcript NM_001365276.2 (MANE Select); coding-DNA position 9889, A replaced by G.
Protein change: p.Arg3297Gly; replaces arginine 3297 with glycine.
Molecular consequence: missense variant.
Genome position (GRCh38, 1-based): chr6:32,048,519, T>C on the plus strand (A>G on the coding strand, the complement: TNXB is on the minus strand). VCF-style: chr6-32048519-T-C. GRCh37 (hg19) VCF-style: chr6-32016296-T-C.
Other names: c.10630A>G, p.Arg3544Gly (NM_001428335.1); c.9883A>G, p.Arg3295Gly (NM_019105.8); short protein forms R3295G, R3544G, R3297G.
Identifiers: ClinVar variation 3459901 (VCV003459901.1).